The following is an entry in ClinVar:

NM_001555.5(IGSF1):c.1454G>A (p.Ser485Asn)

Gene: IGSF1 (immunoglobulin superfamily member 1; minus strand). Cytogenetic location: Xq26.1.
Variant type: single nucleotide variant.
Coding change: c.1454G>A on transcript NM_001555.5 (MANE Select); coding-DNA position 1454, G replaced by A.
Protein change: p.Ser485Asn; replaces serine 485 with asparagine.
Molecular consequence: missense variant.
Genome position (GRCh38, 1-based): chrX:131,281,737, C>T on the plus strand (G>A on the coding strand, the complement: IGSF1 is on the minus strand). VCF-style: chrX-131281737-C-T. GRCh37 (hg19) VCF-style: chrX-130415711-C-T.
Other names: c.1454G>A, p.Ser485Asn (NM_001170961.2); c.1427G>A, p.Ser476Asn (NM_001170962.2); short protein forms S476N, S485N.
Identifiers: ClinVar variation 2661444 (VCV002661444.24), dbSNP rs2522251442, ClinGen allele CA414573483.

ClinVar aggregate classification (germline): Uncertain significance (1 of 4 stars; one submission).

gnomAD v4.1: 1 of 1,211,011 alleles (0.000083%); no homozygotes.

Submission:

CeGaT Center for Human Genetics Tuebingen
Classification: Uncertain significance. Last evaluated: 2023-07-01. Review status: criteria provided, single submitter. Criteria: CeGaT Center For Human Genetics Tuebingen Variant Classification Criteria Version 2. Collection method: clinical testing. Allele origin: germline. Affected: yes. Observed: 1 variant allele.
Comment: IGSF1: PM2, BP4